The following is an entry in ClinVar:

ClinVar aggregate classification (germline): Uncertain significance (1 of 4 stars; one submission).

Conditions:
Glycogen storage disease, type II (IOPD). Also called: CARDIOMEGALIA GLYCOGENICA DIFFUSA; GLYCOGENOSIS, GENERALIZED, CARDIAC FORM; GSD II; POMPE DISEASE, INFANTILE-ONSET; GLYCOGEN STORAGE DISEASE II, INFANTILE-ONSET; ACID ALPHA-GLUCOSIDASE DEFICIENCY, INFANTILE-ONSET. Identifiers: Orphanet 365, MedGen C0017921, MONDO:0009290, OMIM 232300.

Submission:

Labcorp Genetics (formerly Invitae), Labcorp
Classification: Uncertain significance for Glycogen storage disease, type II. Last evaluated: 2025-07-18. Review status: criteria provided, single submitter. Criteria: Invitae Variant Classification Sherloc (09022015). Collection method: clinical testing. Allele origin: germline.
Comment: This sequence change replaces arginine, which is basic and polar, with glycine, which is neutral and non-polar, at codon 854 of the GAA protein (p.Arg854Gly). This variant is not present in population databases (gnomAD no frequency). This variant has not been reported in the literature in individuals affected with GAA-related conditions. Invitae Evidence Modeling of protein sequence and biophysical properties (such as structural, functional, and spatial information, amino acid conservation, physicochemical variation, residue mobility, and thermodynamic stability) indicates that this missense variant is not expected to disrupt GAA protein function with a negative predictive value of 95%. In summary, the available evidence is currently insufficient to determine the role of this variant in disease. Therefore, it has been classified as a Variant of Uncertain Significance.

NM_000152.5(GAA):c.2560C>G (p.Arg854Gly)

Gene: GAA (alpha glucosidase; plus strand). Cytogenetic location: 17q25.3.
Variant type: single nucleotide variant.
Coding change: c.2560C>G on transcript NM_000152.5 (MANE Select); coding-DNA position 2560, C replaced by G.
Protein change: p.Arg854Gly; replaces arginine 854 with glycine.
Molecular consequence: missense variant.
Genome position (GRCh38, 1-based): chr17:80,118,271, C>G. VCF-style: chr17-80118271-C-G. GRCh37 (hg19) VCF-style: chr17-78092070-C-G.
Other names: c.2560C>G, p.Arg854Gly (NM_001079803.3, NM_001079804.3, NM_001406741.1 and 1 more transcripts); short protein forms R854G.
Identifiers: ClinVar variation 4800920 (VCV004800920.1).